The following is an entry in ClinVar:

NM_007294.4(BRCA1):c.-14T>A

Gene: BRCA1 (BRCA1 DNA repair associated; minus strand). Cytogenetic location: 17q21.31.
Variant type: single nucleotide variant.
Coding change: c.-14T>A on transcript NM_007294.4 (MANE Select); 14 bases upstream of the start codon, T replaced by A.
Molecular consequence: 5 prime UTR variant. On other transcripts: non-coding transcript variant (1).
Genome position (GRCh38, 1-based): chr17:43,124,110, A>T on the plus strand (T>A on the coding strand, the complement: BRCA1 is on the minus strand). VCF-style: chr17-43124110-A-T. GRCh37 (hg19) VCF-style: chr17-41276127-A-T.
Other names: c.-202T>A (NM_001407571.1, NM_001407853.1, NM_001407879.1 and 42 more transcripts); c.-14T>A (NM_001407581.1, NM_001407582.1, NM_001407583.1 and 169 more transcripts); c.-271T>A (NM_001407694.1, NM_001407724.1, NM_001407727.1 and 11 more transcripts); c.-275T>A (NM_001407695.1, NM_001408465.1); c.-416T>A (NM_001407696.1); c.-300T>A (NM_001407697.1, NM_001407846.1, NM_001407920.1); c.-101T>A (NM_001407698.1, NM_001407732.1, NM_001407736.1 and 21 more transcripts); c.-274T>A (NM_001407725.1, NM_001407730.1, NM_001407734.1 and 22 more transcripts); and 8 more.
Identifiers: ClinVar variation 869035 (VCV000869035.8), dbSNP rs273897661, ClinGen allele CA916081164.

ClinVar aggregate classification (germline): Likely benign (1 of 4 stars; one submission).

Conditions:
Hereditary breast ovarian cancer syndrome. Also called: Hereditary breast and ovarian cancer; Hereditary breast and ovarian cancer syndrome (HBOC); Breast and ovarian cancer; Hereditary breast and/or ovarian cancer syndrome; BRCA1- and BRCA2-Associated Hereditary Breast and Ovarian Cancer; Hereditary breast and ovarian cancer syndrome. Identifiers: Orphanet 145, MedGen C0677776, MeSH D061325, MONDO:0003582. Disease mechanism: loss of function.

Submissions (2):

Labcorp Genetics (formerly Invitae), Labcorp
Classification: Likely benign for Hereditary breast ovarian cancer syndrome. Last evaluated: 2022-07-15. Review status: criteria provided, single submitter. Criteria: Invitae Variant Classification Sherloc (09022015). Collection method: clinical testing. Allele origin: germline.

Brotman Baty Institute, University of Washington
No classification provided (evidence only). Condition: Breast-ovarian cancer, familial 1. Review status: no classification provided. Collection method: in vitro. Allele origin: not applicable. Functional consequence: functionally_normal. Not counted in ClinVar's aggregate classification.
ClinVar note: "not provided" was previously submitted as the classification for the variant. However, the classification appeared to be based only on an observation of functional data so it was converted to no classification on 2025-07-30.